The following is an entry in ClinVar:

NM_000091.5(COL4A3):c.142A>T (p.Lys48Ter)

Genes: COL4A3 (collagen type IV alpha 3 chain; plus strand), MFF-DT (MFF divergent transcript; minus strand). Cytogenetic location: 2q36.3.
Variant type: single nucleotide variant.
Coding change: c.142A>T on transcript NM_000091.5 (MANE Select); coding-DNA position 142, A replaced by T.
Protein change: p.Lys48Ter; replaces lysine 48 with a stop codon.
Molecular consequence: nonsense.
Genome position (GRCh38, 1-based): chr2:227,238,022, A>T. VCF-style: chr2-227238022-A-T. GRCh37 (hg19) VCF-style: chr2-228102738-A-T.
Other names: short protein forms K48*.
Identifiers: ClinVar variation 829844 (VCV000829844.6), dbSNP rs1207493576, ClinGen allele CA350858421.
Genomic context (GRCh38, chr2:227,238,022, plus strand): 5'-TCCTAGGGTTGTGTCTGTAAAGACAAAGGCCAGTGCTTCTGTGACGGGGCCAAAGGGGAG[A>T]AGGTAAAAACAAACCCTAATACTGCTTGTTTACACTGTAAAGCTCTAGAAGGTAAAACTC-3'

ClinVar aggregate classification (germline): Pathogenic/Likely pathogenic. Review status: criteria provided, multiple submitters, no conflicts (2 of 4 stars). 4 submissions from 4 submitters: Pathogenic (2); Likely pathogenic (1). 1 of the submissions does not count toward it. Last evaluated 2025-02-22.

Conditions:
Alport syndrome. Also called: Hemorrhagic familial nephritis; Hemorrhagic hereditary nephritis; Congenital hereditary hematuria. Identifiers: Orphanet 63, MedGen C1567741, MONDO:0018965.
Autosomal dominant Alport syndrome (ATS3A). Also called: Alport syndrome dominant type; Renal failure and sensorineural hearing loss; ALPORT SYNDROME 3A, AUTOSOMAL DOMINANT. Identifiers: Orphanet 63, Orphanet 88918, MedGen C5882663, MONDO:0007086, OMIM 104200.

Allele frequency attached by ClinVar (database versions not stated): gnomAD exomes below 0.00001; TOPMed below 0.00001.
gnomAD v4.1: 2 of 1,602,396 alleles (0.00012%); highest among the groups gnomAD compares: Non-Finnish European, 0.00017%; no homozygotes.

Submissions (4):

Myriad Genetics, Inc.
Classification: Pathogenic for Alport syndrome. Last evaluated: 2025-02-22. Review status: criteria provided, single submitter. Criteria: Myriad Autosomal Dominant, Autosomal Recessive and X-Linked Classification Criteria (2023). Collection method: clinical testing. Allele origin: unknown.
Comment: NM_000091.4(COL4A3):c.142A>T(K48*) is expected to be pathogenic in the context of Alport syndrome, COL4A3-related. This variant is predicted to lead to an abnormal or absent protein product due to the creation of a premature termination codon in COL4A3, a gene where loss-of-function variants are known to be pathogenic. Please note: this variant was assessed in the context of healthy population screening.

Natera, Inc.
Classification: Likely pathogenic for Alport syndrome. Last evaluated: 2024-09-27. Review status: criteria provided, single submitter. Criteria: Natera Variant Classification Schema (03/2026). Collection method: clinical testing. Allele origin: germline.
Comment: The c.142A>T variant in COL4A3 is a nonsense variant predicted to introduce a stop codon at amino acid 48. This variant is expected to result in nonsense mediated decay, truncation, or a dysfunctional protein product. This variant is rare in the general population with a frequency below the threshold expected for the associated phenotype(s). Given the available evidence, this variant is classified as Likely Pathogenic.

Labcorp Genetics (formerly Invitae), Labcorp
Classification: Pathogenic. Last evaluated: 2024-02-03. Review status: criteria provided, single submitter. Criteria: Invitae Variant Classification Sherloc (09022015). Collection method: clinical testing. Allele origin: germline.
Comment: This sequence change creates a premature translational stop signal (p.Lys48*) in the COL4A3 gene. It is expected to result in an absent or disrupted protein product. Loss-of-function variants in COL4A3 are known to be pathogenic (PMID: 8956999, 24854265, 26809805, 27281700). This variant is not present in population databases (gnomAD no frequency). This variant has not been reported in the literature in individuals affected with COL4A3-related conditions. ClinVar contains an entry for this variant (Variation ID: 829844). Algorithms developed to predict the effect of sequence changes on RNA splicing suggest that this variant may disrupt the consensus splice site. For these reasons, this variant has been classified as Pathogenic.

Bioscientia Institut fuer Medizinische Diagnostik GmbH, Sonic Healthcare
Classification: Pathogenic for Autosomal dominant Alport syndrome. Last evaluated: 2019-05-23. Review status: no assertion criteria provided. Collection method: clinical testing. Allele origin: germline. Affected: yes. Not counted in ClinVar's aggregate classification.

Literature cited by the submitters: PubMed 8956999 (cited by Labcorp Genetics (formerly Invitae), Labcorp); PubMed 24854265 (cited by Labcorp Genetics (formerly Invitae), Labcorp); PubMed 26809805 (cited by Labcorp Genetics (formerly Invitae), Labcorp); PubMed 27281700 (cited by Labcorp Genetics (formerly Invitae), Labcorp).